The following is an entry in ClinVar:

NM_000535.7(PMS2):c.988+11T>C

Gene: PMS2 (PMS1 homolog 2, mismatch repair system component; minus strand). Cytogenetic location: 7p22.1.
Variant type: single nucleotide variant.
Coding change: c.988+11T>C on transcript NM_000535.7 (MANE Select); 11 bases into the intron after coding-DNA position 988, T replaced by C.
Molecular consequence: intron variant.
Genome position (GRCh38, 1-based): chr7:5,991,962, A>G on the plus strand (T>C on the coding strand, the complement: PMS2 is on the minus strand). VCF-style: chr7-5991962-A-G. GRCh37 (hg19) VCF-style: chr7-6031593-A-G.
Other names: c.670+11T>C (NM_001322008.2, NM_001322007.2); c.583+11T>C (NM_001322010.2, NM_001322004.2, NM_001322003.2 and 2 more transcripts); c.415+11T>C (NM_001322013.2); c.55+11T>C (NM_001322012.2, NM_001322011.2); c.679+11T>C (NM_001322015.2); c.988+11T>C (NM_001322006.2, NM_001322014.2).
Identifiers: ClinVar variation 138698 (VCV000138698.22), dbSNP rs139969671, ClinGen allele CA013404.

ClinVar aggregate classification (germline): Conflicting classifications of pathogenicity. Review status: criteria provided, conflicting classifications (1 of 4 stars). 10 submissions from 10 submitters: Uncertain significance (1); Benign (3); Likely benign (5). 1 of the submissions does not count toward it. Last evaluated 2026-01-26.

Conditions:
Hereditary nonpolyposis colorectal neoplasms. Identifiers: MedGen C0009405, MeSH D003123.
Breast and/or ovarian cancer. Identifiers: MedGen CN221562.
Hereditary cancer-predisposing syndrome. Also called: Tumor predisposition; Hereditary Cancer Syndrome; Neoplastic Syndromes, Hereditary; Hereditary neoplastic syndrome. Identifiers: Orphanet 140162, MedGen C0027672, MeSH D009386, MONDO:0015356.
Lynch syndrome 4 (LYNCH4). Also called: Hereditary non-polyposis colorectal cancer, type 4; Colorectal cancer, hereditary nonpolyposis, type 4. Identifiers: Orphanet 144, MedGen C1838333, MONDO:0013699, OMIM 614337. Disease mechanism: loss of function.

Allele frequency attached by ClinVar (database versions not stated): TOPMed 0.00012; 1000 Genomes Project 30x 0.00031; gnomAD 0.00032 and 0.00036; gnomAD exomes 0.00035 and 0.00059; 1000 Genomes Project 0.00040; ExAC 0.00058.
gnomAD v4.1: 487 of 1,392,656 alleles (0.035%); highest among the groups gnomAD compares: East Asian, 0.05%; 1 homozygote.

Submissions (10):

Labcorp Genetics (formerly Invitae), Labcorp
Classification: Benign for Hereditary nonpolyposis colorectal neoplasms. Last evaluated: 2026-01-26. Review status: criteria provided, single submitter. Criteria: Invitae Variant Classification Sherloc (09022015). Collection method: clinical testing. Allele origin: germline.

Center for Genomic Medicine, Rigshospitalet, Copenhagen University Hospital
Classification: Likely benign. Last evaluated: 2025-03-04. Review status: criteria provided, single submitter. Criteria: ACMG Guidelines, 2015. Collection method: clinical testing. Allele origin: germline.

Blueprint Genetics
Classification: Likely benign. Last evaluated: 2024-10-17. Review status: criteria provided, single submitter. Criteria: ACMG Guidelines, 2015. Collection method: clinical testing. Allele origin: germline.

CHEO Genetics Diagnostic Laboratory, Children's Hospital of Eastern Ontario
Classification: Likely benign for Breast and/or ovarian cancer. Last evaluated: 2023-05-23. Review status: criteria provided, single submitter. Criteria: ACMG Guidelines, 2015. Collection method: clinical testing. Allele origin: germline.

Sema4
Classification: Likely benign for Hereditary cancer-predisposing syndrome. Last evaluated: 2021-04-14. Review status: criteria provided, single submitter. Criteria: Sema4 Curation Guidelines. Collection method: curation. Allele origin: germline.

Illumina Laboratory Services, Illumina
Classification: Uncertain significance for Lynch syndrome 4. Last evaluated: 2018-01-13. Review status: criteria provided, single submitter. Criteria: ICSL Variant Classification Criteria 13 December 2019. Collection method: clinical testing. Allele origin: germline.

Color Diagnostics, LLC DBA Color Health
Classification: Benign for Hereditary cancer-predisposing syndrome. Last evaluated: 2016-06-30. Review status: criteria provided, single submitter. Criteria: ACMG Guidelines, 2015. Collection method: clinical testing. Allele origin: germline.

Ambry Genetics
Classification: Likely benign for Hereditary cancer-predisposing syndrome. Last evaluated: 2015-07-29. Review status: criteria provided, single submitter. Criteria: Ambry Variant Classification Scheme 2023. Collection method: clinical testing. Allele origin: germline.

GeneDx
Classification: Benign. Last evaluated: 2013-12-23. Review status: criteria provided, single submitter. Criteria: GeneDx Variant Classification (06012015). Collection method: clinical testing. Allele origin: germline. Affected: yes.
Comment: This variant is considered likely benign or benign based on one or more of the following criteria: it is a conservative change, it occurs at a poorly conserved position in the protein, it is predicted to be benign by multiple in silico algorithms, and/or has population frequency not consistent with disease.

Department of Pathology and Laboratory Medicine, Sinai Health System
Classification: Benign. Review status: no assertion criteria provided. Collection method: clinical testing. Allele origin: unknown. Affected: yes. Study: The Canadian Open Genetics Repository (COGR). Not counted in ClinVar's aggregate classification.
Comment: The PMS2 c.988+11T>C variant was not identified in the literature. The variant was identified in dbSNP (ID: rs139969671) â€šÃ„ÃºWith Benign alleleâ€šÃ„Ã¹, and ClinVar (classified benign by GeneDx and Color). The variant was identified in control databases in 163 (1 homozygous) of 276514 chromosomes at a frequency of 0.0006 increasing the likelihood this could be a low frequency benign variant (Genome Aggregation Database Feb 27, 2017). The variant was observed in the following populations: African in 4 of 24004 chromosomes (freq: 0.0002), Other in 6 of 6450 chromosomes (freq: 0.0009), European Non-Finnish in 19 of 126498 chromosomes (freq: 0.0002), East Asian in 12 of 18864 chromosomes (freq: 0.0006), European Finnish in 120 (1 homozygous) of 25446 chromosomes (freq: 0.005), and South Asian in 2 of 30744 chromosomes (freq: 0.00007) while not observed in the Latino and Ashkenazi Jewish populations. The variant occurs outside of the splicing consensus sequence and in silico or computational prediction software programs (SpliceSiteFinder, MaxEntScan, NNSPLICE, GeneSplicer) do not predict a difference in splicing. In summary, based on the above information this variant meets our laboratory's criteria to be classified as benign.